The following is an entry in ClinVar:

ClinVar aggregate classification (germline): Pathogenic (1 of 4 stars; one submission).

Conditions:
Oculofaciocardiodental syndrome (MCOPS2). Identifiers: Orphanet 2712, MedGen C1846265, MONDO:0010261, OMIM 300166.

Submission:

Labcorp Genetics (formerly Invitae), Labcorp
Classification: Pathogenic for Oculofaciocardiodental syndrome. Last evaluated: 2020-01-15. Review status: criteria provided, single submitter. Criteria: Invitae Variant Classification Sherloc (09022015). Collection method: clinical testing. Allele origin: germline.
Comment: For these reasons, this variant has been classified as Pathogenic. Loss-of-function variants in BCOR are known to be pathogenic (PMID: 15004558, 19367324). This variant has been observed in individual(s) with clinical features of oculofaciocardiodental syndrome (PMID: 31048080). It has also been observed to segregate with disease in related individuals. This variant has also been reported as c.4497C>A, p.Cys1499Ter. This variant is not present in population databases (ExAC no frequency). This sequence change creates a premature translational stop signal (p.Cys1465*) in the BCOR gene. It is expected to result in an absent or disrupted protein product.

Literature cited by the submitters: PubMed 15004558; PubMed 19367324; PubMed 31048080.

NM_001123385.2(BCOR):c.4497C>A (p.Cys1499Ter)

Gene: BCOR (BCL6 corepressor; minus strand). Cytogenetic location: Xp11.4.
Variant type: single nucleotide variant.
Coding change: c.4497C>A on transcript NM_001123385.2 (MANE Select); coding-DNA position 4497, C replaced by A.
Protein change: p.Cys1499Ter; replaces cysteine 1499 with a stop codon.
Molecular consequence: nonsense.
Genome position (GRCh38, 1-based): chrX:40,057,253, G>T on the plus strand (C>A on the coding strand, the complement: BCOR is on the minus strand). VCF-style: chrX-40057253-G-T. GRCh37 (hg19) VCF-style: chrX-39916506-G-T.
Other names: c.4395C>A, p.Cys1465Ter (NM_001123383.2, NM_017745.6); c.4341C>A, p.Cys1447Ter (NM_001123384.2); short protein forms C1447*, C1465*, C1499*.
Identifiers: ClinVar variation 1073665 (VCV001073665.9), dbSNP rs766620661, ClinGen allele CA412735584.